The following is an entry in ClinVar:

ClinVar aggregate classification (germline): Pathogenic. Review status: criteria provided, multiple submitters, no conflicts (2 of 4 stars). 3 submissions from 3 submitters: Pathogenic (3). Last evaluated 2024-10-11.

Conditions:
Citrullinemia, type II, adult-onset (CDAA). Also called: CITRIN DEFICIENCY, ADOLESCENT OR ADULT ONSET. Identifiers: Orphanet 247585, MedGen CN295299, MONDO:0011326, OMIM 603471.
Citrullinemia. Identifiers: Orphanet 187, MedGen C0175683, MONDO:0015991.
Citrin deficiency. Identifiers: Orphanet 247582, MedGen C1997910, MONDO:0016602.

gnomAD v4.1: 4 of 1,613,984 alleles (0.00025%); highest among the groups gnomAD compares: Middle Eastern, 0.016%; no homozygotes.

Submissions (3):

Labcorp Genetics (formerly Invitae), Labcorp
Classification: Pathogenic for Citrin deficiency. Last evaluated: 2024-10-11. Review status: criteria provided, single submitter. Criteria: Invitae Variant Classification Sherloc (09022015). Collection method: clinical testing. Allele origin: germline.
Comment: This sequence change replaces arginine, which is basic and polar, with glycine, which is neutral and non-polar, at codon 355 of the SLC25A13 protein (p.Arg355Gly). This variant is present in population databases (no rsID available, gnomAD 0.003%). This missense change has been observed in individual(s) with citrin deficiency (PMID: 24069319, 27405544). In at least one individual the data is consistent with being in trans (on the opposite chromosome) from a pathogenic variant. ClinVar contains an entry for this variant (Variation ID: 1075398). Invitae Evidence Modeling of protein sequence and biophysical properties (such as structural, functional, and spatial information, amino acid conservation, physicochemical variation, residue mobility, and thermodynamic stability) indicates that this missense variant is expected to disrupt SLC25A13 protein function with a positive predictive value of 95%. This variant disrupts the p.Arg355 amino acid residue in SLC25A13. Other variant(s) that disrupt this residue have been observed in individuals with SLC25A13-related conditions (PMID: 24586645, 27405544), which suggests that this may be a clinically significant amino acid residue. For these reasons, this variant has been classified as Pathogenic.

Natera, Inc.
Classification: Pathogenic for Citrullinemia. Last evaluated: 2024-09-23. Review status: criteria provided, single submitter. Criteria: Natera Variant Classification Schema (03/2026). Collection method: clinical testing. Allele origin: germline.
Comment: The c.1063C>G variant in SLC25A13 is a missense variant predicted to cause substitution of arginine to glycine at amino acid 355. This variant is rare in the general population with a frequency below the threshold expected for the associated phenotype(s). This variant has been observed in one or more individuals affected with the associated recessive disease, as either homozygous or compound heterozygous with a second variant (PMID: 24069319, 31845334). A different variant at the same position has been determined to be Pathogenic or Likely Pathogenic. Computational prediction algorithms indicate this variant is likely to affect gene or protein function. Given the available evidence, this variant is classified as Pathogenic.

Baylor Genetics
Classification: Pathogenic for Citrullinemia, type II, adult-onset. Last evaluated: 2024-03-22. Review status: criteria provided, single submitter. Criteria: ACMG Guidelines, 2015. Collection method: clinical testing. Allele origin: unknown.

Literature cited by the submitters: PubMed 24069319 (cited by Labcorp Genetics (formerly Invitae), Labcorp and Natera, Inc.); PubMed 27405544 (cited by Labcorp Genetics (formerly Invitae), Labcorp); PubMed 24586645 (cited by Labcorp Genetics (formerly Invitae), Labcorp); PubMed 31845334 (cited by Natera, Inc.).

NM_014251.3(SLC25A13):c.1063C>G (p.Arg355Gly)

Gene: SLC25A13 (solute carrier family 25 member 13; minus strand). Cytogenetic location: 7q21.3.
Variant type: single nucleotide variant.
Coding change: c.1063C>G on transcript NM_014251.3 (MANE Select); coding-DNA position 1063, C replaced by G.
Protein change: p.Arg355Gly; replaces arginine 355 with glycine.
Molecular consequence: missense variant. On other transcripts: non-coding transcript variant (1).
Genome position (GRCh38, 1-based): chr7:96,184,391, G>C on the plus strand (C>G on the coding strand, the complement: SLC25A13 is on the minus strand). VCF-style: chr7-96184391-G-C. GRCh37 (hg19) VCF-style: chr7-95813703-G-C.
Other names: c.1066C>G, p.Arg356Gly (NM_001160210.2); c.1063C>G (NM_014251.2); short protein forms R355G, R356G.
Identifiers: ClinVar variation 1075398 (VCV001075398.12), dbSNP rs758827458, ClinGen allele CA368260298.
Genomic context (GRCh38, chr7:96,184,391, plus strand): 5'-AGCTGTTTTTATACATGAGTTCTCCCACAAAAGAGCCAGTTGATCGTTGGTTCTGCATTC[G>C]AGTTTTTACAAGATCGATAGGATACACAGCAGTGGCTCCAACAGCTAAAATTAAACAATA-3'
Protein context (NP_055066.1, residues 345-365): AVYPIDLVKT[Arg355Gly]MQNQRSTGSF